The following is an entry in ClinVar:

NM_001367805.3(KIF23):c.2461C>T (p.Leu821Phe)

Gene: KIF23 (kinesin family member 23; plus strand). Cytogenetic location: 15q23.
Variant type: single nucleotide variant.
Coding change: c.2461C>T on transcript NM_001367805.3 (MANE Select); coding-DNA position 2461, C replaced by T.
Protein change: p.Leu821Phe; replaces leucine 821 with phenylalanine.
Molecular consequence: missense variant. On other transcripts: non-coding transcript variant (2), intron variant (1).
Genome position (GRCh38, 1-based): chr15:69,444,829, C>T. VCF-style: chr15-69444829-C-T. GRCh37 (hg19) VCF-style: chr15-69737168-C-T.
Other names: c.2419C>T (NM_138555.2); c.2419C>T, p.Leu807Phe (NM_001367804.2, NM_138555.4); c.2107C>T, p.Leu703Phe (NM_004856.7); c.2050-1180C>T (NM_001281301.2); short protein forms L703F, L807F, L821F.
Identifiers: ClinVar variation 2999821 (VCV002999821.4), dbSNP rs1316397233, ClinGen allele CA392992287.

ClinVar aggregate classification (germline): Uncertain significance. Review status: criteria provided, multiple submitters, no conflicts (2 of 4 stars). 2 submissions from 2 submitters: Uncertain significance (2). Last evaluated 2025-10-22.

Allele frequency attached by ClinVar (database versions not stated): gnomAD 0.00001; TOPMed 0.00001.
gnomAD v4.1: 5 of 1,614,082 alleles (0.00031%); highest among the groups gnomAD compares: Non-Finnish European, 0.00042%; no homozygotes.

Submissions (2):

Ambry Genetics
Classification: Uncertain significance. Last evaluated: 2025-10-22. Review status: criteria provided, single submitter. Criteria: Ambry Variant Classification Scheme 2023. Collection method: clinical testing. Allele origin: germline.

Labcorp Genetics (formerly Invitae), Labcorp
Classification: Uncertain significance. Last evaluated: 2023-11-19. Review status: criteria provided, single submitter. Criteria: Invitae Variant Classification Sherloc (09022015). Collection method: clinical testing. Allele origin: germline.
Comment: This sequence change replaces leucine, which is neutral and non-polar, with phenylalanine, which is neutral and non-polar, at codon 807 of the KIF23 protein (p.Leu807Phe). This variant is present in population databases (no rsID available, gnomAD 0.007%). This variant has not been reported in the literature in individuals affected with KIF23-related conditions. Advanced modeling of protein sequence and biophysical properties (such as structural, functional, and spatial information, amino acid conservation, physicochemical variation, residue mobility, and thermodynamic stability) performed at Invitae indicates that this missense variant is not expected to disrupt KIF23 protein function with a negative predictive value of 80%. In summary, the available evidence is currently insufficient to determine the role of this variant in disease. Therefore, it has been classified as a Variant of Uncertain Significance.